The following is an entry in ClinVar:

ClinVar aggregate classification (germline): Conflicting classifications of pathogenicity. Review status: criteria provided, conflicting classifications (1 of 4 stars). 3 submissions from 3 submitters: Uncertain significance (1); Likely benign (2). Last evaluated 2025-10-09.

Allele frequency attached by ClinVar (database versions not stated): ESP Exome Variant Server 0.00015; TOPMed 0.00032; gnomAD 0.00038; 1000 Genomes Project 0.00120; 1000 Genomes Project 30x 0.00141.
gnomAD v4.1: 730 of 1,613,902 alleles (0.045%); highest among the groups gnomAD compares: Admixed American, 0.1%; no homozygotes.

Submissions (3):

Labcorp Genetics (formerly Invitae), Labcorp
Classification: Likely benign. Last evaluated: 2025-10-09. Review status: criteria provided, single submitter. Criteria: Invitae Variant Classification Sherloc (09022015). Collection method: clinical testing. Allele origin: germline.

Mayo Clinic Laboratories, Mayo Clinic
Classification: Likely benign. Last evaluated: 2025-07-10. Review status: criteria provided, single submitter. Criteria: ACMG Guidelines, 2015. Collection method: clinical testing. Allele origin: germline. Observed: 1 variant allele.
Comment: BP4, BP7

Eurofins Ntd Llc (ga)
Classification: Uncertain significance. Last evaluated: 2015-07-29. Review status: criteria provided, single submitter. Criteria: EGL Classification Definitions 2015. Collection method: clinical testing. Allele origin: germline. Observed: 1 variant allele, 1 heterozygote.

NM_015965.7(NDUFA13):c.45C>A (p.Gly15=)

Genes: NDUFA13 (NADH:ubiquinone oxidoreductase subunit A13; plus strand), LOC130064074 (ATAC-STARR-seq lymphoblastoid active region 14360; plus strand). Cytogenetic location: 19p13.11.
Variant type: single nucleotide variant.
Coding change: c.45C>A on transcript NM_015965.7 (MANE Select); coding-DNA position 45, C replaced by A.
Protein change: p.Gly15=; no amino-acid change (glycine 15 retained).
Molecular consequence: synonymous variant.
Genome position (GRCh38, 1-based): chr19:19,516,283, C>A. VCF-style: chr19-19516283-C-A. GRCh37 (hg19) VCF-style: chr19-19627092-C-A.
Other names: p.Gly15=.
Identifiers: ClinVar variation 282057 (VCV000282057.10), dbSNP rs183288709, ClinGen allele CA9327622.